The following is an entry in ClinVar:

ClinVar aggregate classification (germline): Conflicting classifications of pathogenicity. Review status: criteria provided, conflicting classifications (1 of 4 stars). 3 submissions from 3 submitters: Uncertain significance (2); Likely benign (1). Last evaluated 2024-08-14.

Conditions:
Emery-Dreifuss muscular dystrophy 5, autosomal dominant (EDMD5). Also called: EMERY-DREIFUSS MUSCULAR DYSTROPHY 5. Identifiers: Orphanet 261, MedGen C2751805, MONDO:0013072, OMIM 612999.

Allele frequency attached by ClinVar (database versions not stated): gnomAD 0.00003 and 0.00004; gnomAD exomes 0.00004; TOPMed 0.00004; ExAC 0.00006.
gnomAD v4.1: 118 of 1,613,934 alleles (0.0073%); highest among the groups gnomAD compares: Non-Finnish European, 0.0092%; no homozygotes.

Submissions (3):

Ambry Genetics
Classification: Likely benign. Last evaluated: 2024-08-14. Review status: criteria provided, single submitter. Criteria: Ambry Variant Classification Scheme 2023. Collection method: clinical testing. Allele origin: germline.

Labcorp Genetics (formerly Invitae), Labcorp
Classification: Uncertain significance for Emery-Dreifuss muscular dystrophy 5, autosomal dominant. Last evaluated: 2023-03-27. Review status: criteria provided, single submitter. Criteria: Invitae Variant Classification Sherloc (09022015). Collection method: clinical testing. Allele origin: germline.
Comment: This variant has not been reported in the literature in individuals affected with SYNE2-related conditions. This variant is present in population databases (rs753899883, gnomAD 0.007%). This sequence change replaces cysteine, which is neutral and slightly polar, with serine, which is neutral and polar, at codon 3775 of the SYNE2 protein (p.Cys3775Ser). ClinVar contains an entry for this variant (Variation ID: 571130). In summary, the available evidence is currently insufficient to determine the role of this variant in disease. Therefore, it has been classified as a Variant of Uncertain Significance. Algorithms developed to predict the effect of missense changes on protein structure and function output the following: SIFT: "Not Available"; PolyPhen-2: "Benign"; Align-GVGD: "Not Available". The serine amino acid residue is found in multiple mammalian species, which suggests that this missense change does not adversely affect protein function.

Revvity Omics, Revvity
Classification: Uncertain significance for Emery-Dreifuss muscular dystrophy 5, autosomal dominant. Last evaluated: 2019-09-05. Review status: criteria provided, single submitter. Criteria: ACMG Guidelines, 2015. Collection method: clinical testing. Allele origin: germline.

NM_182914.3(SYNE2):c.11323T>A (p.Cys3775Ser)

Gene: SYNE2 (spectrin repeat containing nuclear envelope protein 2; plus strand). Cytogenetic location: 14q23.2.
Variant type: single nucleotide variant.
Coding change: c.11323T>A on transcript NM_182914.3 (MANE Select); coding-DNA position 11323, T replaced by A.
Protein change: p.Cys3775Ser; replaces cysteine 3775 with serine.
Molecular consequence: missense variant.
Genome position (GRCh38, 1-based): chr14:64,080,615, T>A. VCF-style: chr14-64080615-T-A. GRCh37 (hg19) VCF-style: chr14-64547333-T-A.
Other names: c.11323T>A, p.Cys3775Ser (NM_015180.6); short protein forms C3775S.
Identifiers: ClinVar variation 571130 (VCV000571130.12), dbSNP rs753899883, ClinGen allele CA7221746.